The following is an entry in ClinVar:

NM_014946.4(SPAST):c.1728+1G>T

Gene: SPAST (spastin; plus strand). Cytogenetic location: 2p22.3.
Variant type: single nucleotide variant.
Coding change: c.1728+1G>T on transcript NM_014946.4 (MANE Select); the canonical splice donor site of the intron after coding-DNA position 1728, G replaced by T.
Molecular consequence: splice donor variant.
Genome position (GRCh38, 1-based): chr2:32,147,259, G>T. VCF-style: chr2-32147259-G-T. GRCh37 (hg19) VCF-style: chr2-32372328-G-T.
Other names: c.1632+1G>T (NM_199436.2); c.*1+1G>T (NM_001377959.1); c.1725+1G>T (NM_001363823.2); c.1629+1G>T (NM_001363875.2).
Identifiers: ClinVar variation 1070647 (VCV001070647.9), dbSNP rs587777754, ClinGen allele CA346504400.
Genomic context (GRCh38, chr2:32,147,259, plus strand): 5'-TGACTTTTATGTTTTACAGAACTAAAACCAGAACAGGTGAAGAATATGTCTGCCAGTGAG[G>T]TATAGTATTTTACAATGATATTTTCTTTGTCTTCTATATTGTAAGACATATATAAGACAT-3'

ClinVar aggregate classification (germline): Pathogenic (1 of 4 stars; one submission).

Conditions:
Hereditary spastic paraplegia 4. Also called: Spastic paraplegia 4, autosomal dominant; Spastic Paraplegia 4; Familial spastic paraplegia autosomal dominant 2. Identifiers: Orphanet 100985, MedGen C1866855, MONDO:0008438, OMIM 182601.

Submission:

Labcorp Genetics (formerly Invitae), Labcorp
Classification: Pathogenic for Hereditary spastic paraplegia 4. Last evaluated: 2023-09-08. Review status: criteria provided, single submitter. Criteria: Invitae Variant Classification Sherloc (09022015). Collection method: clinical testing. Allele origin: germline.
Comment: For these reasons, this variant has been classified as Pathogenic. Variants that disrupt the consensus splice site are a relatively common cause of aberrant splicing (PMID: 17576681, 9536098). Studies have shown that disruption of this splice site results in exon skipping and introduces a new termination codon (PMID: 11039577). However the mRNA is not expected to undergo nonsense-mediated decay. ClinVar contains an entry for this variant (Variation ID: 1070647). This variant is also known as c.1853+1G>T. Disruption of this splice site has been observed in individuals with hereditary spastic paraplegia (PMID: 10699187, 10980739, 11039577, 28572275). This variant is not present in population databases (gnomAD no frequency). This sequence change affects a donor splice site in intron 16 of the SPAST gene. RNA analysis indicates that disruption of this splice site induces altered splicing and likely disrupts the C-terminus of the protein.

Literature cited by the submitters: PubMed 17576681; PubMed 9536098; PubMed 11039577; PubMed 10699187; PubMed 10980739; PubMed 28572275.